The following is an entry in ClinVar:

NM_001127671.2(LIFR):c.1975A>T (p.Ile659Phe)

Gene: LIFR (LIF receptor subunit alpha; minus strand). Cytogenetic location: 5p13.1.
Variant type: single nucleotide variant.
Coding change: c.1975A>T on transcript NM_001127671.2 (MANE Select); coding-DNA position 1975, A replaced by T.
Protein change: p.Ile659Phe; replaces isoleucine 659 with phenylalanine.
Molecular consequence: missense variant.
Genome position (GRCh38, 1-based): chr5:38,493,696, T>A on the plus strand (A>T on the coding strand, the complement: LIFR is on the minus strand). VCF-style: chr5-38493696-T-A. GRCh37 (hg19) VCF-style: chr5-38493798-T-A.
Other names: c.1975A>T, p.Ile659Phe (NM_001364297.2, NM_001364298.2, NM_002310.6); short protein forms I659F.
Identifiers: ClinVar variation 1981800 (VCV001981800.1), dbSNP rs1744720626, ClinGen allele CA359538966.

ClinVar aggregate classification (germline): Uncertain significance (1 of 4 stars; one submission).

Allele frequency attached by ClinVar (database versions not stated): gnomAD exomes below 0.00001.
gnomAD v4.1: 5 of 1,614,222 alleles (0.00031%); highest among the groups gnomAD compares: Non-Finnish European, 0.00042%; no homozygotes.

Submission:

Labcorp Genetics (formerly Invitae), Labcorp
Classification: Uncertain significance. Last evaluated: 2022-08-12. Review status: criteria provided, single submitter. Criteria: Invitae Variant Classification Sherloc (09022015). Collection method: clinical testing. Allele origin: germline.
Comment: This sequence change replaces isoleucine, which is neutral and non-polar, with phenylalanine, which is neutral and non-polar, at codon 659 of the LIFR protein (p.Ile659Phe). This variant is not present in population databases (gnomAD no frequency). This variant has not been reported in the literature in individuals affected with LIFR-related conditions. Algorithms developed to predict the effect of missense changes on protein structure and function are either unavailable or do not agree on the potential impact of this missense change (SIFT: "Deleterious"; PolyPhen-2: "Benign"; Align-GVGD: "Class C0"). In summary, the available evidence is currently insufficient to determine the role of this variant in disease. Therefore, it has been classified as a Variant of Uncertain Significance.